The following is an entry in ClinVar:

NM_000090.4(COL3A1):c.2915G>C (p.Gly972Ala)

Gene: COL3A1 (collagen type III alpha 1 chain; plus strand). Cytogenetic location: 2q32.2.
Variant type: single nucleotide variant.
Coding change: c.2915G>C on transcript NM_000090.4 (MANE Select); coding-DNA position 2915, G replaced by C.
Protein change: p.Gly972Ala; replaces glycine 972 with alanine.
Molecular consequence: missense variant.
Genome position (GRCh38, 1-based): chr2:189,004,348, G>C. VCF-style: chr2-189004348-G-C. GRCh37 (hg19) VCF-style: chr2-189869074-G-C.
Identifiers: ClinVar variation 101326 (VCV000101326.11), dbSNP rs587779559, ClinGen allele CA005856.

ClinVar aggregate classification (germline): Likely pathogenic. Review status: criteria provided, single submitter (1 of 4 stars). 2 submissions from 2 submitters: Likely pathogenic (1). 1 of the submissions does not count toward it. Last evaluated 2020-06-07.

Conditions:
Ehlers-Danlos syndrome, type 4 (EDSVASC). Also called: Ehlers-Danlos syndrome vascular type; Ehlers Danlos syndrome, ecchymotic type; Ehlers Danlos syndrome, arterial type; Ehlers Danlos syndrome, Sack-Barabas type; Ehlers-Danlos Syndrome Type IV. Identifiers: Orphanet 286, MedGen C0268338, MONDO:0017314, OMIM 130050.

Submissions (2):

Labcorp Genetics (formerly Invitae), Labcorp
Classification: Likely pathogenic for Ehlers-Danlos syndrome, type 4. Last evaluated: 2020-06-07. Review status: criteria provided, single submitter. Criteria: Invitae Variant Classification Sherloc (09022015). Collection method: clinical testing. Allele origin: germline.
Comment: This variant is not present in population databases (ExAC no frequency). This sequence change replaces glycine with alanine at codon 972 of the COL3A1 protein (p.Gly972Ala). The glycine residue is moderately conserved and there is a small physicochemical difference between glycine and alanine. This variant has been observed in individual(s) with clinical features of Ehlers-Danlos syndrome (PMID: 10706896, 24922459, Invitae). This variant is also known as G805A in the literature. ClinVar contains an entry for this variant (Variation ID: 101326). In summary, the currently available evidence indicates that the variant is pathogenic, but additional data are needed to prove that conclusively. Therefore, this variant has been classified as Likely Pathogenic. Glycine residues within the Gly-Xaa-Yaa repeats of the triple helix domain are required for the structure and stability of fibrillar collagens (PMID: 7695699, 8218237, 19344236). In COL3A1, variants that affect these glycine residues are significantly enriched in individuals with disease (PMID: 24922459, 25758994) compared to the general population (ExAC). This variant disrupts the p.Gly972 amino acid residue in COL3A1. Other variant(s) that disrupt this residue have been observed in individuals with COL3A1-related conditions (PMID: 25758994), which suggests that this may be a clinically significant amino acid residue. Algorithms developed to predict the effect of missense changes on protein structure and function are either unavailable or do not agree on the potential impact of this missense change (SIFT: "Deleterious"; PolyPhen-2: "Probably Damaging"; Align-GVGD: "Class C0").

Collagen Diagnostic Laboratory, University of Washington
Classification: Pathogenic for Ehlers-Danlos syndrome, type 4. Review status: no assertion criteria provided. Collection method: clinical testing. Allele origin: germline. Affected: yes. Not counted in ClinVar's aggregate classification.

Literature cited by the submitters: PubMed 10706896 (cited by Labcorp Genetics (formerly Invitae), Labcorp and Collagen Diagnostic Laboratory, University of Washington); PubMed 24922459 (cited by Labcorp Genetics (formerly Invitae), Labcorp); PubMed 7695699 (cited by Labcorp Genetics (formerly Invitae), Labcorp); PubMed 8218237 (cited by Labcorp Genetics (formerly Invitae), Labcorp); PubMed 19344236 (cited by Labcorp Genetics (formerly Invitae), Labcorp); PubMed 25758994 (cited by Labcorp Genetics (formerly Invitae), Labcorp).